The following is an entry in ClinVar:

NM_000302.4(PLOD1):c.1438G>A (p.Asp480Asn)

Gene: PLOD1 (procollagen-lysine,2-oxoglutarate 5-dioxygenase 1; plus strand). Cytogenetic location: 1p36.22.
Variant type: single nucleotide variant.
Coding change: c.1438G>A on transcript NM_000302.4 (MANE Select); coding-DNA position 1438, G replaced by A.
Protein change: p.Asp480Asn; replaces aspartic acid 480 with asparagine.
Molecular consequence: missense variant.
Genome position (GRCh38, 1-based): chr1:11,964,753, G>A. VCF-style: chr1-11964753-G-A. GRCh37 (hg19) VCF-style: chr1-12024810-G-A.
Other names: c.1579G>A, p.Asp527Asn (NM_001316320.2); short protein forms D480N, D527N.
Identifiers: ClinVar variation 4535735 (VCV004535735.1).

ClinVar aggregate classification (germline): Uncertain significance (1 of 4 stars; one submission).

gnomAD v4.1: 6 of 1,613,702 alleles (0.00037%); highest among the groups gnomAD compares: South Asian, 0.0022%; no homozygotes.

Submission:

Women's Health and Genetics/Laboratory Corporation of America, LabCorp
Classification: Uncertain significance. Last evaluated: 2025-09-05. Review status: criteria provided, single submitter. Criteria: LabCorp Variant Classification Summary - May 2015. Collection method: clinical testing. Allele origin: germline.
Comment: Variant summary: PLOD1 c.1438G>A (p.Asp480Asn) results in a conservative amino acid change in the encoded protein sequence. Algorithms developed to predict the effect of missense changes on protein structure and function are either unavailable or do not agree on the potential impact of this missense change. The frequency data for this variant in gnomAD is considered unreliable, as metrics indicate poor data quality at this position. c.1438G>A has been observed in at least one heterozygous individual affected with Pulmonary arterial hypertension-congenital heart disease. These report(s) do not provide unequivocal conclusions about association of the variant with Ehlers-Danlos Syndrome Type VI. To our knowledge, no experimental evidence demonstrating an impact on protein function has been reported. The following publication has been ascertained in the context of this evaluation (PMID: 30029678). No submitters have cited clinical-significance assessments for this variant to ClinVar. Based on the evidence outlined above, the variant was classified as uncertain significance.

Literature cited by the submitters: PubMed 30029678.